The following is an entry in ClinVar:

ClinVar aggregate classification (germline): Likely benign (1 of 4 stars; one submission).

Submission:

GeneDx
Classification: Likely benign. Last evaluated: 2017-07-28. Review status: criteria provided, single submitter. Criteria: GeneDx Variant Classification (06012015). Collection method: clinical testing. Allele origin: germline. Affected: yes.
Comment: This variant is considered likely benign or benign based on one or more of the following criteria: it is a conservative change, it occurs at a poorly conserved position in the protein, it is predicted to be benign by multiple in silico algorithms, and/or has population frequency not consistent with disease.

NM_000421.5(KRT10):c.1458_1459delinsAAGCTCCGGCGGTGGCT (p.His487delinsSerSerGlyGlyGlyTyr)

Gene: KRT10 (keratin 10; minus strand). Cytogenetic location: 17q21.2.
Variant type: Indel.
Coding change: c.1458_1459delinsAAGCTCCGGCGGTGGCT on transcript NM_000421.5 (MANE Select); coding-DNA positions 1458 to 1459, CC replaced by AAGCTCCGGCGGTGGCT.
Protein change: p.His487delinsSerSerGlyGlyGlyTyr.
Molecular consequence: inframe indel.
Genome position (GRCh38, 1-based): chr17:40,819,076-40,819,077, GG replaced by AGCCACCGCCGGAGCTT on the plus strand (CC replaced by AAGCTCCGGCGGTGGCT on the coding strand, the reverse complement: KRT10 is on the minus strand). VCF-style: chr17-40819076-GG-AGCCACCGCCGGAGCTT. GRCh37 (hg19) VCF-style: chr17-38975328-GG-AGCCACCGCCGGAGCTT.
Other names: c.1458_1459delinsAAGCTCCGGCGGTGGCT, p.His487delinsSerSerGlyGlyGlyTyr (NM_001379366.1).
Identifiers: ClinVar variation 671039 (VCV000671039.1), dbSNP rs1597817750, ClinGen allele CA915950005.